The following is an entry in ClinVar:

ClinVar aggregate classification (germline): Uncertain significance. Review status: criteria provided, multiple submitters, no conflicts (2 of 4 stars). 2 submissions from 2 submitters: Uncertain significance (2). Last evaluated 2025-12-03.

Conditions:
Inborn genetic diseases. Identifiers: MedGen C0950123, MeSH D030342.

Allele frequency attached by ClinVar (database versions not stated): gnomAD exomes 0.00007 and 0.00010; TOPMed 0.00008; gnomAD 0.00010 and 0.00011; ExAC 0.00014; ESP Exome Variant Server 0.00015.
gnomAD v4.1: 116 of 1,613,942 alleles (0.0072%); highest among the groups gnomAD compares: Non-Finnish European, 0.0091%; no homozygotes.

Submissions (2):

Labcorp Genetics (formerly Invitae), Labcorp
Classification: Uncertain significance. Last evaluated: 2025-12-03. Review status: criteria provided, single submitter. Criteria: Invitae Variant Classification Sherloc (09022015). Collection method: clinical testing. Allele origin: germline.
Comment: This sequence change replaces histidine, which is basic and polar, with tyrosine, which is neutral and polar, at codon 926 of the SEC24D protein (p.His926Tyr). This variant is present in population databases (rs199764116, gnomAD 0.02%). This variant has not been reported in the literature in individuals affected with SEC24D-related conditions. ClinVar contains an entry for this variant (Variation ID: 1374691). An algorithm developed to predict the effect of missense changes on protein structure and function (PolyPhen-2) suggests that this variant is likely to be tolerated. In summary, the available evidence is currently insufficient to determine the role of this variant in disease. Therefore, it has been classified as a Variant of Uncertain Significance.

Ambry Genetics
Classification: Uncertain significance for Inborn genetic diseases. Last evaluated: 2025-08-10. Review status: criteria provided, single submitter. Criteria: Ambry Variant Classification Scheme 2023. Collection method: clinical testing. Allele origin: germline.

NM_014822.4(SEC24D):c.2776C>T (p.His926Tyr)

Gene: SEC24D (SEC24 homolog D, COPII component; minus strand). Cytogenetic location: 4q26.
Variant type: single nucleotide variant.
Coding change: c.2776C>T on transcript NM_014822.4 (MANE Select); coding-DNA position 2776, C replaced by T.
Protein change: p.His926Tyr; replaces histidine 926 with tyrosine.
Molecular consequence: missense variant.
Genome position (GRCh38, 1-based): chr4:118,731,408, G>A on the plus strand (C>T on the coding strand, the complement: SEC24D is on the minus strand). VCF-style: chr4-118731408-G-A. GRCh37 (hg19) VCF-style: chr4-119652563-G-A.
Other names: c.2776C>T (NM_014822.2); c.2779C>T, p.His927Tyr (NM_001318066.2); short protein forms H926Y, H927Y.
Identifiers: ClinVar variation 1374691 (VCV001374691.9), dbSNP rs199764116, ClinGen allele CA3056876.